The following is an entry in ClinVar:

NM_000748.3(CHRNB2):c.210+9A>G

Gene: CHRNB2 (cholinergic receptor nicotinic beta 2 subunit; plus strand). Cytogenetic location: 1q21.3.
Variant type: single nucleotide variant.
Coding change: c.210+9A>G on transcript NM_000748.3 (MANE Select); 9 bases into the intron after coding-DNA position 210, A replaced by G.
Molecular consequence: intron variant.
Genome position (GRCh38, 1-based): chr1:154,569,616, A>G. VCF-style: chr1-154569616-A-G. GRCh37 (hg19) VCF-style: chr1-154542092-A-G.
Other names: p.?.
Identifiers: ClinVar variation 158333 (VCV000158333.22), dbSNP rs3926124, ClinGen allele CA171784.

ClinVar aggregate classification (germline): Benign. Review status: criteria provided, multiple submitters, no conflicts (2 of 4 stars). 7 submissions from 7 submitters: Benign (6). 1 of the submissions does not count toward it. Last evaluated 2026-02-03.

Conditions:
Familial sleep-related hypermotor epilepsy. Also called: Autosomal Dominant Sleep-Related Hypermotor (Hyperkinetic) Epilepsy. Identifiers: Orphanet 98784, MedGen C3696898, MONDO:0000030.

Allele frequency attached by ClinVar (database versions not stated): gnomAD 0.10120 and 0.10829; 1000 Genomes Project 30x 0.11649; TOPMed 0.11306; 1000 Genomes Project 0.10823; gnomAD exomes 0.00981 and 0.02646; ExAC 0.03264; ESP Exome Variant Server 0.11895.

Submissions (7):

Labcorp Genetics (formerly Invitae), Labcorp
Classification: Benign. Last evaluated: 2026-02-03. Review status: criteria provided, single submitter. Criteria: Invitae Variant Classification Sherloc (09022015). Collection method: clinical testing. Allele origin: germline.

Dasa
Classification: Benign. Last evaluated: 2025-11-19. Review status: criteria provided, single submitter. Criteria: DASA Assertion Criteria. Collection method: clinical testing. Allele origin: germline.
Comment: NM_000748.3(CHRNB2):c.210+9A>G is a splice-region variant. Population frequency is inconsistent with a disease-causing role for this variant, and observations in unaffected individuals support a benign interpretation. Computational prediction algorithms are consistent with a benign effect. Therefore, based on the currently available evidence, this variant is classified as benign.

Mayo Clinic Laboratories, Mayo Clinic
Classification: Benign. Last evaluated: 2018-04-10. Review status: criteria provided, single submitter. Criteria: ACMG Guidelines, 2015. Collection method: clinical testing. Allele origin: germline. Observed: 43 variant alleles.

GeneDx
Classification: Benign. Last evaluated: 2015-03-03. Review status: criteria provided, single submitter. Criteria: GeneDx Variant Classification Process June 2021. Collection method: clinical testing. Allele origin: germline. Affected: yes.

Breakthrough Genomics
Classification: Benign. Review status: criteria provided, single submitter. Criteria: ACMG Guidelines, 2015. Collection method: not provided. Allele origin: germline. Inheritance: Unknown mechanism. Affected: yes.

PreventionGenetics, part of Exact Sciences
Classification: Benign. Review status: criteria provided, single submitter. Criteria: ACMG Guidelines, 2015. Collection method: clinical testing. Allele origin: germline.

Genetic Services Laboratory, University of Chicago
Classification: Likely benign. Review status: no assertion criteria provided. Collection method: clinical testing. Allele origin: germline. Inheritance: Autosomal dominant inheritance. Not counted in ClinVar's aggregate classification.
Comment: Likely benign based on allele frequency in 1000 Genomes Project or ESP global frequency and its presence in a patient with a rare or unrelated disease phenotype. NOT Sanger confirmed